The following is an entry in ClinVar:

ClinVar aggregate classification (germline): Pathogenic. Review status: no assertion criteria provided (0 of 4 stars). 2 submissions from 2 submitters: Pathogenic (2). Last evaluated 2021-07-01.

Conditions:
Gastric cancer. Also called: Stomach cancer; Malignant tumor of stomach. Identifiers: MedGen C0024623, MeSH D013274, MONDO:0001056, OMIM 613659, HP:0012126.

Submissions (2):

Laboratory for Genotyping Development, RIKEN
Classification: Pathogenic for Gastric cancer. Last evaluated: 2021-07-01. Review status: no assertion criteria provided. Collection method: research. Allele origin: germline.

Leiden Open Variation Database
Classification: Pathogenic. Last evaluated: 2018-10-10. Review status: no assertion criteria provided. Collection method: curation. Allele origin: germline. Affected: yes.
Comment: Curators: Marc Tischkowitz, Arleen D. Auerbach. Submitter to LOVD: Yukihide Momozawa.

Literature cited by the submitters: PubMed 36988593 (cited by Laboratory for Genotyping Development, RIKEN); PubMed 30287823 (cited by Leiden Open Variation Database).

NM_024675.4(PALB2):c.839_840insT (p.Ile281fs)

Gene: PALB2 (partner and localizer of BRCA2; minus strand). Cytogenetic location: 16p12.2.
Variant type: Insertion.
Coding change: c.839_840insT on transcript NM_024675.4 (MANE Select); coding-DNA positions 839 to 840, T inserted.
Protein change: p.Ile281fs; shifts the reading frame from isoleucine 281.
Molecular consequence: frameshift variant.
Genome position: GRCh38 VCF-style: chr16-23635706-G-GA. GRCh37 (hg19) VCF-style: chr16-23647027-G-GA.
Other names: short protein forms I281fs.
Identifiers: ClinVar variation 830123 (VCV000830123.19), dbSNP rs1967016153, ClinGen allele CA916081818.